The following is an entry in ClinVar:

NM_015425.6(POLR1A):c.2411T>C (p.Val804Ala)

Gene: POLR1A (RNA polymerase I subunit A; minus strand). Cytogenetic location: 2p11.2.
Variant type: single nucleotide variant.
Coding change: c.2411T>C on transcript NM_015425.6 (MANE Select); coding-DNA position 2411, T replaced by C.
Protein change: p.Val804Ala; replaces valine 804 with alanine.
Molecular consequence: missense variant.
Genome position (GRCh38, 1-based): chr2:86,049,224, A>G on the plus strand (T>C on the coding strand, the complement: POLR1A is on the minus strand). VCF-style: chr2-86049224-A-G. GRCh37 (hg19) VCF-style: chr2-86276347-A-G.
Other names: short protein forms V804A.
Identifiers: ClinVar variation 1713768 (VCV001713768.5), dbSNP rs2466359888, ClinGen allele CA347541421.
Genomic context (GRCh38, chr2:86,049,224, plus strand): 5'-GGCCCGCAGTGGGTGGATTCTTCAATGATACGTTGCCTCTTGACATCTGCCTTTGGCTTC[A>G]CCAAAATGTCTTCCACGCCTGTGAAGTGAAACAGACAAGCTTGTAGGCGACCTCAGGCCT-3'
Protein context (NP_056240.2, residues 794-814): GFTLGVEDIL[Val804Ala]KPKADVKRQR

ClinVar aggregate classification (germline): Uncertain significance (1 of 4 stars; one submission).

Submission:

Labcorp Genetics (formerly Invitae), Labcorp
Classification: Uncertain significance. Last evaluated: 2022-07-15. Review status: criteria provided, single submitter. Criteria: Invitae Variant Classification Sherloc (09022015). Collection method: clinical testing. Allele origin: germline.
Comment: In summary, the available evidence is currently insufficient to determine the role of this variant in disease. Therefore, it has been classified as a Variant of Uncertain Significance. Algorithms developed to predict the effect of missense changes on protein structure and function are either unavailable or do not agree on the potential impact of this missense change (SIFT: "Not Available"; PolyPhen-2: "Probably Damaging"; Align-GVGD: "Not Available"). This variant has not been reported in the literature in individuals affected with POLR1A-related conditions. This variant is not present in population databases (gnomAD no frequency). This sequence change replaces valine, which is neutral and non-polar, with alanine, which is neutral and non-polar, at codon 804 of the POLR1A protein (p.Val804Ala).